The following is an entry in ClinVar:

NM_017617.5(NOTCH1):c.3936A>C (p.Lys1312Asn)

Gene: NOTCH1 (notch receptor 1; minus strand). Cytogenetic location: 9q34.3.
Variant type: single nucleotide variant.
Coding change: c.3936A>C on transcript NM_017617.5 (MANE Select); coding-DNA position 3936, A replaced by C.
Protein change: p.Lys1312Asn; replaces lysine 1312 with asparagine.
Molecular consequence: missense variant.
Genome position (GRCh38, 1-based): chr9:136,506,605, T>G on the plus strand (A>C on the coding strand, the complement: NOTCH1 is on the minus strand). VCF-style: chr9-136506605-T-G. GRCh37 (hg19) VCF-style: chr9-139401057-T-G.
Other names: short protein forms K1312N.
Identifiers: ClinVar variation 2038814 (VCV002038814.4), dbSNP rs892185309, ClinGen allele CA375548852.
Genomic context (GRCh38, chr9:136,506,605, plus strand): 5'-GAACCCGCGGGCGGTGTTGGAGGCCACGGCGCAGGTGCCCCCATTCTTGCAGGGCTTGCC[T>G]TTGCAGCCATTGATGACGGACTCGCAGCGGCGCCCTAGGGGTAAGAGCAGGGCAGTGAGA-3'
Protein context (NP_060087.3, residues 1302-1322): RRCESVINGC[Lys1312Asn]GKPCKNGGTC

ClinVar aggregate classification (germline): Uncertain significance (1 of 4 stars; one submission).

Conditions:
Adams-Oliver syndrome 5 (AOS5). Identifiers: Orphanet 974, MedGen C4014970, MONDO:0014459, OMIM 616028.

Allele frequency attached by ClinVar (database versions not stated): gnomAD exomes below 0.00001.
gnomAD v4.1: 2 of 1,610,966 alleles (0.00012%); highest among the groups gnomAD compares: Non-Finnish European, 0.00017%; no homozygotes.

Submission:

Labcorp Genetics (formerly Invitae), Labcorp
Classification: Uncertain significance for Adams-Oliver syndrome 5. Last evaluated: 2022-05-13. Review status: criteria provided, single submitter. Criteria: Invitae Variant Classification Sherloc (09022015). Collection method: clinical testing. Allele origin: germline.
Comment: In summary, the available evidence is currently insufficient to determine the role of this variant in disease. Therefore, it has been classified as a Variant of Uncertain Significance. Advanced modeling of protein sequence and biophysical properties (such as structural, functional, and spatial information, amino acid conservation, physicochemical variation, residue mobility, and thermodynamic stability) performed at Invitae indicates that this missense variant is not expected to disrupt NOTCH1 protein function. This variant has not been reported in the literature in individuals affected with NOTCH1-related conditions. This variant is not present in population databases (gnomAD no frequency). This sequence change replaces lysine, which is basic and polar, with asparagine, which is neutral and polar, at codon 1312 of the NOTCH1 protein (p.Lys1312Asn).